The following is an entry in ClinVar:

ClinVar aggregate classification (germline): Uncertain significance (1 of 4 stars; one submission).

Submission:

Labcorp Genetics (formerly Invitae), Labcorp
Classification: Uncertain significance. Last evaluated: 2023-10-31. Review status: criteria provided, single submitter. Criteria: Invitae Variant Classification Sherloc (09022015). Collection method: clinical testing. Allele origin: germline.
Comment: This sequence change affects a splice site in intron 2 of the APOA4 gene. It is expected to disrupt RNA splicing. Variants that disrupt the donor or acceptor splice site typically lead to a loss of protein function (PMID: 16199547), however the current clinical and genetic evidence is not sufficient to establish whether loss-of-function variants in APOA4 cause disease. This variant is present in population databases (rs755613946, gnomAD 0.002%). This variant has not been reported in the literature in individuals affected with APOA4-related conditions. Algorithms developed to predict the effect of sequence changes on RNA splicing suggest that this variant may disrupt the consensus splice site. In summary, the available evidence is currently insufficient to determine the role of this variant in disease. Therefore, it has been classified as a Variant of Uncertain Significance.

Literature cited by the submitters: PubMed 16199547.

NM_000482.4(APOA4):c.176+2_176+5del

Gene: APOA4 (apolipoprotein A4; minus strand). Cytogenetic location: 11q23.3.
Variant type: Deletion.
Coding change: c.176+2_176+5del on transcript NM_000482.4 (MANE Select); the canonical splice donor site of the intron after coding-DNA position 176 through 5 bases into the intron after coding-DNA position 176, 4 bases deleted (TAAG; older notation c.176+2_176+5delTAAG).
Molecular consequence: splice donor variant.
Genome position (GRCh38, 1-based): chr11:116,822,654-116,822,657, CTTA deleted on the plus strand (TAAG on the coding strand, the reverse complement: APOA4 is on the minus strand); deleting any 4 consecutive bases within chr11:116,822,654-116,822,660 gives the same sequence; the c. name uses the placement nearest the transcript's 3' end. VCF-style (leftmost placement, unchanged base first): chr11-116822653-TCTTA-T. GRCh37 (hg19) VCF-style: chr11-116693369-TCTTA-T.
Identifiers: ClinVar variation 2870738 (VCV002870738.3), dbSNP rs755613946, ClinGen allele CA6289518.